The following is an entry in ClinVar:

NM_005751.5(AKAP9):c.4692+4A>G

Gene: AKAP9 (A-kinase anchoring protein 9; plus strand). Cytogenetic location: 7q21.2.
Variant type: single nucleotide variant.
Coding change: c.4692+4A>G on transcript NM_005751.5 (MANE Select); 4 bases into the intron after coding-DNA position 4692, A replaced by G.
Molecular consequence: intron variant.
Genome position (GRCh38, 1-based): chr7:92,038,776, A>G. VCF-style: chr7-92038776-A-G. GRCh37 (hg19) VCF-style: chr7-91668090-A-G.
Other names: c.4692+4A>G (NM_147185.3).
Identifiers: ClinVar variation 2099284 (VCV002099284.4), dbSNP rs2484808807, ClinGen allele CA2580077443.
Genomic context (GRCh38, chr7:92,038,776, plus strand): 5'-CTGACTATTTCAGAAGAAATGTTCTCCAAAGATAAAACATTTATAGTTAGACAGTCTGTA[A>G]GTATGCCTCCTTGAATATAAAAAACTTATTTAAAAATTGTGAATTCTTTCACTTTAAAAA-3'

ClinVar aggregate classification (germline): Uncertain significance (1 of 4 stars; one submission).

Conditions:
Long QT syndrome (LQTS). Identifiers: MedGen C0023976, MeSH D008133, MONDO:0002442. Disease mechanism: loss of function. Inheritance: Various modes of inheritance.

Submission:

Labcorp Genetics (formerly Invitae), Labcorp
Classification: Uncertain significance for Long QT syndrome. Last evaluated: 2022-02-19. Review status: criteria provided, single submitter. Criteria: Invitae Variant Classification Sherloc (09022015). Collection method: clinical testing. Allele origin: germline.
Comment: In summary, the available evidence is currently insufficient to determine the role of this variant in disease. Therefore, it has been classified as a Variant of Uncertain Significance. Variants that disrupt the consensus splice site are a relatively common cause of aberrant splicing (PMID: 17576681, 9536098). Algorithms developed to predict the effect of sequence changes on RNA splicing suggest that this variant may disrupt the consensus splice site. This variant has not been reported in the literature in individuals affected with AKAP9-related conditions. This variant is not present in population databases (gnomAD no frequency). This sequence change falls in intron 17 of the AKAP9 gene. It does not directly change the encoded amino acid sequence of the AKAP9 protein. It affects a nucleotide within the consensus splice site.

Literature cited by the submitters: PubMed 17576681; PubMed 9536098.